The following is an entry in ClinVar:

NM_005097.4(LGI1):c.1421G>A (p.Arg474Gln)

Gene: LGI1 (leucine rich glioma inactivated 1; plus strand). Cytogenetic location: 10q23.33.
Variant type: single nucleotide variant.
Coding change: c.1421G>A on transcript NM_005097.4 (MANE Select); coding-DNA position 1421, G replaced by A.
Protein change: p.Arg474Gln; replaces arginine 474 with glutamine.
Molecular consequence: missense variant. On other transcripts: non-coding transcript variant (1), intron variant (1).
Genome position (GRCh38, 1-based): chr10:93,797,550, G>A. VCF-style: chr10-93797550-G-A. GRCh37 (hg19) VCF-style: chr10-95557307-G-A.
Other names: c.1277G>A, p.Arg426Gln (NM_001308276.2); c.839-199G>A (NM_001308275.2); short protein forms R474Q, R426Q.
Identifiers: ClinVar variation 420035 (VCV000420035.6), dbSNP rs1064794249, ClinGen allele CA16619084.
Genomic context (GRCh38, chr10:93,797,550, plus strand): 5'-ATTCCAAAGTCATGAAATGGGGAGGCTCCTCGTTCCAGGATATTCAGAGGATGCCATCGC[G>A]AGGATCCATGGTGTTCCAGCCTCTTCAAATAAATAATTACCAATATGCAATTCTTGGAAG-3'
Protein context (NP_005088.1, residues 464-484): SFQDIQRMPS[Arg474Gln]GSMVFQPLQI

ClinVar aggregate classification (germline): Likely pathogenic. Review status: criteria provided, multiple submitters, no conflicts (2 of 4 stars). 3 submissions from 3 submitters: Likely pathogenic (3). Last evaluated 2023-07-07.

Conditions:
Autosomal dominant epilepsy with auditory features. Identifiers: Orphanet 101046, MedGen C1838062, MONDO:0010898.
LGI1-related disorder. Also called: LGI1-related condition.

Submissions (3):

Labcorp Genetics (formerly Invitae), Labcorp
Classification: Likely pathogenic for Autosomal dominant epilepsy with auditory features. Last evaluated: 2023-07-07. Review status: criteria provided, single submitter. Criteria: Invitae Variant Classification Sherloc (09022015). Collection method: clinical testing. Allele origin: germline.
Comment: This variant is not present in population databases (gnomAD no frequency). This missense change has been observed in individuals with autosomal dominant lateral temporal lobe epilepsy (PMID: 19780791; Invitae). ClinVar contains an entry for this variant (Variation ID: 420035). Advanced modeling of protein sequence and biophysical properties (such as structural, functional, and spatial information, amino acid conservation, physicochemical variation, residue mobility, and thermodynamic stability) has been performed at Invitae for this missense variant, however the output from this modeling did not meet the statistical confidence thresholds required to predict the impact of this variant on LGI1 protein function. Experimental studies have shown that this missense change affects LGI1 function (PMID: 27760137, 29670100). In summary, the currently available evidence indicates that the variant is pathogenic, but additional data are needed to prove that conclusively. Therefore, this variant has been classified as Likely Pathogenic. This sequence change replaces arginine, which is basic and polar, with glutamine, which is neutral and polar, at codon 474 of the LGI1 protein (p.Arg474Gln).

Blueprint Genetics
Classification: Likely pathogenic for LGI1-related disorders. Last evaluated: 2018-10-22. Review status: criteria provided, single submitter. Criteria: ACMG Guidelines, 2015. Collection method: clinical testing. Allele origin: germline. Affected: yes. Observed: 1 variant allele.

GeneDx
Classification: Likely pathogenic. Last evaluated: 2017-03-14. Review status: criteria provided, single submitter. Criteria: GeneDx Variant Classification (06012015). Collection method: clinical testing. Allele origin: germline. Affected: yes.
Comment: The R474Q variant in the LGI1 gene has been reported previously in a family with multiple affected relatives who had features consistent with autosomal dominant lateral temporal lobe epilepsy (Kawamata et al., 2010). Functional studies the of R474Q variant indicate it does not inhibit protein secretion, but does impair interaction of the LGI1 protein with specific receptors on the cell surface (Dazzo et al., 2016). The R474Q variant is not observed in large population cohorts (Lek et al., 2016; 1000 Genomes Consortium et al., 2015; Exome Variant Server). The R474Q variant is a semi-conservative amino acid substitution, which may impact secondary protein structure as these residues differ in some properties. Further, this substitution occurs at a position that is conserved across species, and in silico analysis predicts this variant is probably damaging to the protein structure/function. We interpret R474Q as a likely pathogenic variant.

Literature cited by the submitters: PubMed 19780791 (cited by Labcorp Genetics (formerly Invitae), Labcorp); PubMed 27760137 (cited by Labcorp Genetics (formerly Invitae), Labcorp); PubMed 29670100 (cited by Labcorp Genetics (formerly Invitae), Labcorp).